The following is an entry in ClinVar:

NM_004817.4(TJP2):c.1243del (p.Ser415fs)

Gene: TJP2 (tight junction protein 2; plus strand). Cytogenetic location: 9q21.11.
Variant type: Deletion.
Coding change: c.1243del on transcript NM_004817.4 (MANE Select); coding-DNA position 1243, one base deleted (T; older notation c.1243delT).
Protein change: p.Ser415fs; shifts the reading frame from serine 415.
Molecular consequence: frameshift variant.
Genome position (GRCh38, 1-based): chr9:69,227,797, T deleted; the last of 4 consecutive T bases (chr9:69,227,794-69,227,797); deleting any one gives the same sequence. VCF-style (leftmost placement, unchanged base first): chr9-69227793-AT-A. GRCh37 (hg19) VCF-style: chr9-71842709-AT-A.
Other names: c.1243del, p.Ser415fs (LRG_1201t1, NM_001369872.1, NM_001369873.1 and 1 more transcripts); c.1174del, p.Ser392fs (NM_001170414.2, NM_001369870.1, NM_001369871.1); c.1255del, p.Ser419fs (NM_001170415.1, NM_001369874.1, NM_001369875.1); c.1336del, p.Ser446fs (NM_001170416.2); short protein forms S392fs, S446fs, S419fs, S415fs.
Identifiers: ClinVar variation 374295 (VCV000374295.2), dbSNP rs1057518679, ClinGen allele CA16043674.

ClinVar aggregate classification (germline): Pathogenic (0 of 4 stars; one submission).

Conditions:
Cholestasis, progressive familial intrahepatic, 4. Identifiers: Orphanet 480483, Orphanet 79304, MedGen C2931067, MONDO:0014381, OMIM 615878.

Submission:

Baylor Genetics
Classification: Pathogenic for Cholestasis, progressive familial intrahepatic, 4. Last evaluated: 2014-07-01. Review status: no assertion criteria provided. Collection method: clinical testing. Allele origin: germline. Inheritance: Autosomal recessive inheritance. Affected: yes. Observed: 1 variant allele, 1 homozygote.
Comment: The TJP2 variant is predicted to cause a frameshift and is categorized as deleterious by ACMGG guidelines [PMID: 18414213].